The following is an entry in ClinVar:

NM_005219.5(DIAPH1):c.1768G>A (p.Gly590Ser)

Gene: DIAPH1 (diaphanous related formin 1; minus strand). Cytogenetic location: 5q31.3.
Variant type: single nucleotide variant.
Coding change: c.1768G>A on transcript NM_005219.5 (MANE Select); coding-DNA position 1768, G replaced by A.
Protein change: p.Gly590Ser; replaces glycine 590 with serine.
Molecular consequence: missense variant.
Genome position (GRCh38, 1-based): chr5:141,574,082, C>T on the plus strand (G>A on the coding strand, the complement: DIAPH1 is on the minus strand). VCF-style: chr5-141574082-C-T. GRCh37 (hg19) VCF-style: chr5-140953649-C-T.
Other names: c.1741G>A, p.Gly581Ser (NM_001079812.3); c.1768G>A, p.Gly590Ser (NM_001314007.2); short protein forms G590S, G581S.
Identifiers: ClinVar variation 1982807 (VCV001982807.4), dbSNP rs1243275176, ClinGen allele CA361521374.

ClinVar aggregate classification (germline): Uncertain significance (1 of 4 stars; one submission).

Conditions:
Autosomal dominant nonsyndromic hearing loss 1. Also called: DEAFNESS, AUTOSOMAL DOMINANT 1, WITH OR WITHOUT THROMBOCYTOPENIA; KONIGSMARK SYNDROME. Identifiers: Orphanet 90635, MedGen C1852282, MONDO:0007424, OMIM 124900.
Progressive microcephaly-seizures-cortical blindness-developmental delay syndrome. Also called: Seizures, cortical blindness, and microcephaly syndrome. Identifiers: Orphanet 477814, MedGen C5567650, MONDO:0014714, OMIM 616632.

Allele frequency attached by ClinVar (database versions not stated): gnomAD exomes below 0.00001.
gnomAD v4.1: 2 of 1,612,592 alleles (0.00012%); highest among the groups gnomAD compares: Middle Eastern, 0.017%; no homozygotes.

Submission:

Labcorp Genetics (formerly Invitae), Labcorp
Classification: Uncertain significance for Progressive microcephaly-seizures-cortical blindness-developmental delay syndrome; Autosomal dominant nonsyndromic hearing loss 1. Last evaluated: 2022-05-06. Review status: criteria provided, single submitter. Criteria: Invitae Variant Classification Sherloc (09022015). Collection method: clinical testing. Allele origin: germline.
Comment: In summary, the available evidence is currently insufficient to determine the role of this variant in disease. Therefore, it has been classified as a Variant of Uncertain Significance. Algorithms developed to predict the effect of missense changes on protein structure and function output the following: SIFT: "Deleterious"; PolyPhen-2: "Not Available"; Align-GVGD: "Class C0". The serine amino acid residue is found in multiple mammalian species, which suggests that this missense change does not adversely affect protein function. This variant has not been reported in the literature in individuals affected with DIAPH1-related conditions. The frequency data for this variant in the population databases is considered unreliable, as metrics indicate poor data quality at this position in the gnomAD database. This sequence change replaces glycine, which is neutral and non-polar, with serine, which is neutral and polar, at codon 590 of the DIAPH1 protein (p.Gly590Ser).